The following is an entry in ClinVar:

ClinVar aggregate classification (germline): Benign/Likely benign. Review status: criteria provided, multiple submitters, no conflicts (2 of 4 stars). 4 submissions from 4 submitters: Benign (1); Likely benign (3). Last evaluated 2026-01-27.

Conditions:
Cone-rod dystrophy 5 (CORD5). Identifiers: Orphanet 1872, MedGen C1832976, MONDO:0010969, OMIM 600977.

Allele frequency attached by ClinVar (database versions not stated): 1000 Genomes Project 0.00020; 1000 Genomes Project 30x 0.00031; TOPMed 0.00050; gnomAD 0.00057 and 0.00058; gnomAD exomes 0.00061 and 0.00109; ExAC 0.00071; ESP Exome Variant Server 0.00085.
gnomAD v4.1: 1,671 of 1,614,138 alleles (0.1%); highest among the groups gnomAD compares: Non-Finnish European, 0.13%; 2 homozygotes.

Submissions (4):

Labcorp Genetics (formerly Invitae), Labcorp
Classification: Likely benign. Last evaluated: 2026-01-27. Review status: criteria provided, single submitter. Criteria: Invitae Variant Classification Sherloc (09022015). Collection method: clinical testing. Allele origin: germline.

Blueprint Genetics
Classification: Likely benign. Last evaluated: 2024-10-23. Review status: criteria provided, single submitter. Criteria: ACMG Guidelines, 2015. Collection method: clinical testing. Allele origin: germline.

Illumina Laboratory Services, Illumina
Classification: Benign for Cone-rod dystrophy 5. Last evaluated: 2018-01-13. Review status: criteria provided, single submitter. Criteria: ICSL Variant Classification Criteria 13 December 2019. Collection method: clinical testing. Allele origin: germline.
Comment: This variant was observed in the ICSL laboratory as part of a predisposition screen in an ostensibly healthy population. It had not been previously curated by ICSL or reported in the Human Gene Mutation Database (HGMD: prior to June 1st, 2018), and was therefore a candidate for classification through an automated scoring system. Utilizing variant allele frequency, disease prevalence and penetrance estimates, and inheritance mode, an automated score was calculated to assess if this variant is too frequent to cause the disease. Based on the score and internal cut-off values, a variant classified as benign is not then subjected to further curation. The score for this variant resulted in a classification of benign for this disease.

Breakthrough Genomics
Classification: Likely benign. Review status: criteria provided, single submitter. Criteria: ACMG Guidelines, 2015. Collection method: not provided. Allele origin: germline. Inheritance: Autosomal dominant inheritance. Affected: yes.

NM_031220.4(PITPNM3):c.2107C>T (p.Arg703Trp)

Gene: PITPNM3 (PITPNM family member 3; minus strand). Cytogenetic location: 17p13.2.
Variant type: single nucleotide variant.
Coding change: c.2107C>T on transcript NM_031220.4 (MANE Select); coding-DNA position 2107, C replaced by T.
Protein change: p.Arg703Trp; replaces arginine 703 with tryptophan.
Molecular consequence: missense variant.
Genome position (GRCh38, 1-based): chr17:6,464,219, G>A on the plus strand (C>T on the coding strand, the complement: PITPNM3 is on the minus strand). VCF-style: chr17-6464219-G-A. GRCh37 (hg19) VCF-style: chr17-6367539-G-A.
Other names: c.1999C>T, p.Arg667Trp (NM_001165966.2); short protein forms R667W, R703W.
Identifiers: ClinVar variation 861099 (VCV000861099.15), dbSNP rs149585484, ClinGen allele CA8329279.